The following is an entry in ClinVar:

ClinVar aggregate classification (germline): Uncertain significance (1 of 4 stars; one submission).

Submission:

Labcorp Genetics (formerly Invitae), Labcorp
Classification: Uncertain significance. Last evaluated: 2024-10-29. Review status: criteria provided, single submitter. Criteria: Invitae Variant Classification Sherloc (09022015). Collection method: clinical testing. Allele origin: germline.
Comment: This sequence change replaces serine, which is neutral and polar, with cysteine, which is neutral and slightly polar, at codon 971 of the ARHGAP31 protein (p.Ser971Cys). This variant is not present in population databases (gnomAD no frequency). This variant has not been reported in the literature in individuals affected with ARHGAP31-related conditions. An algorithm developed to predict the effect of missense changes on protein structure and function (PolyPhen-2) suggests that this variant is likely to be tolerated. In summary, the available evidence is currently insufficient to determine the role of this variant in disease. Therefore, it has been classified as a Variant of Uncertain Significance.

NM_020754.4(ARHGAP31):c.2912C>G (p.Ser971Cys)

Gene: ARHGAP31 (Rho GTPase activating protein 31; plus strand). Cytogenetic location: 3q13.33.
Variant type: single nucleotide variant.
Coding change: c.2912C>G on transcript NM_020754.4 (MANE Select); coding-DNA position 2912, C replaced by G.
Protein change: p.Ser971Cys; replaces serine 971 with cysteine.
Molecular consequence: missense variant.
Genome position (GRCh38, 1-based): chr3:119,414,841, C>G. VCF-style: chr3-119414841-C-G. GRCh37 (hg19) VCF-style: chr3-119133688-C-G.
Other names: short protein forms S971C.
Identifiers: ClinVar variation 3686581 (VCV003686581.2).